The following is an entry in ClinVar:

ClinVar aggregate classification (germline): Likely benign (1 of 4 stars; one submission).

Conditions:
Colorectal cancer, susceptibility to, 1. Also called: COLORECTAL ADENOMA AND CANCER, SUSCEPTIBILITY TO; COLORECTAL CANCER, SUSCEPTIBILITY TO, ON CHROMOSOME 9. Identifiers: MedGen C1837315, MONDO:0012132, OMIM 608812.

gnomAD v4.1: 1 of 1,613,986 alleles (0.000062%); highest among the groups gnomAD compares: Non-Finnish European, 0.000085%; no homozygotes.

Submission:

Myriad Genetics, Inc.
Classification: Likely benign for Colorectal cancer, susceptibility to, 1. Last evaluated: 2026-04-21. Review status: criteria provided, single submitter. Criteria: Myriad Autosomal Dominant, Autosomal Recessive and X-Linked Classification Criteria (2023). Collection method: clinical testing. Allele origin: unknown.
Comment: This variant is considered likely benign. This variant is intronic and is not expected to impact mRNA splicing.

NM_024642.5(GALNT12):c.1036-18C>T

Gene: GALNT12 (polypeptide N-acetylgalactosaminyltransferase 12; plus strand). Cytogenetic location: 9q22.33.
Variant type: single nucleotide variant.
Coding change: c.1036-18C>T on transcript NM_024642.5 (MANE Select); 18 bases into the intron before coding-DNA position 1036, C replaced by T.
Molecular consequence: intron variant.
Genome position (GRCh38, 1-based): chr9:98,836,954, C>T. VCF-style: chr9-98836954-C-T. GRCh37 (hg19) VCF-style: chr9-101599236-C-T.
Identifiers: ClinVar variation 4875678 (VCV004875678.1).
Genomic context (GRCh38, chr9:98,836,954, plus strand): 5'-GCCTCTTTGCTGCAGATACTATGGACCCGCAGCTCATCCCCTGCTCACCACCTGGCCTCT[C>T]CTTTTCTCTGTGTGCAGATCTGGCAGTGTGGTGGGGTTCTGGAAACACACCCATGTTCCC-3'